The following is an entry in ClinVar:

ClinVar aggregate classification (germline): Uncertain significance. Review status: criteria provided, multiple submitters, no conflicts (2 of 4 stars). 3 submissions from 3 submitters: Uncertain significance (3). Last evaluated 2024-12-11.

Conditions:
CEL-related disorder. Also called: CEL-related condition.

Allele frequency attached by ClinVar (database versions not stated): gnomAD exomes 0.00035; ExAC 0.00200.

Submissions (3):

PreventionGenetics, part of Exact Sciences
Classification: Uncertain significance for CEL-related condition. Last evaluated: 2024-12-11. Review status: criteria provided, single submitter. Criteria: ACMG Guidelines, 2015. Collection method: clinical testing. Allele origin: germline.
Comment: The CEL c.1445C>T variant is predicted to result in the amino acid substitution p.Thr482Ile. To our knowledge, this variant has not been reported in the literature. This variant is reported in 0.053% of alleles in individuals of European (Non-Finnish) descent in gnomAD. At this time, the clinical significance of this variant is uncertain due to the absence of conclusive functional and genetic evidence.

GeneDx
Classification: Uncertain significance. Last evaluated: 2019-10-31. Review status: criteria provided, single submitter. Criteria: GeneDx Variant Classification Process June 2021. Collection method: clinical testing. Allele origin: germline. Affected: yes.
Comment: In silico analysis, which includes protein predictors and evolutionary conservation, supports that this variant does not alter protein structure/function; Has not been previously published as pathogenic or benign to our knowledge; No data available from control populations to assess the frequency of this variant

Breakthrough Genomics
Classification: Uncertain significance. Review status: criteria provided, single submitter. Criteria: ACMG Guidelines, 2015. Collection method: not provided. Allele origin: germline. Inheritance: Autosomal dominant inheritance. Affected: yes.

NM_001807.6(CEL):c.1436C>T (p.Thr479Ile)

Gene: CEL (carboxyl ester lipase; plus strand). Cytogenetic location: 9q34.13.
Variant type: single nucleotide variant.
Coding change: c.1436C>T on transcript NM_001807.6 (MANE Select); coding-DNA position 1436, C replaced by T.
Protein change: p.Thr479Ile; replaces threonine 479 with isoleucine.
Molecular consequence: missense variant.
Genome position (GRCh38, 1-based): chr9:133,070,610, C>T. VCF-style: chr9-133070610-C-T. GRCh37 (hg19) VCF-style: chr9-135945997-C-T.
Other names: c.1445C>T (NM_001807.4); short protein forms T479I.
Identifiers: ClinVar variation 1191685 (VCV001191685.4), dbSNP rs201677850, ClinGen allele CA5303365.
Genomic context (GRCh38, chr9:133,070,610, plus strand): 5'-TTCAGTACGTTTTCGGGAAGCCCTTCGCCACCCCCACGGGCTACCGGCCCCAAGACAGGA[C>T]AGTCTCTAAGGCCATGATCGCCTACTGGACCAACTTTGCCAAAACAGGGTAAGACGTGGG-3'
Protein context (NP_001798.3, residues 469-489): TPTGYRPQDR[Thr479Ile]VSKAMIAYWT